The following is an entry in ClinVar:

NM_021728.4(OTX2):c.117C>G (p.Pro39=)

Gene: OTX2 (orthodenticle homeobox 2; minus strand). Cytogenetic location: 14q22.3.
Variant type: single nucleotide variant.
Coding change: c.117C>G on transcript NM_021728.4 (MANE Select); coding-DNA position 117, C replaced by G.
Protein change: p.Pro39=; no amino-acid change (proline 39 retained).
Molecular consequence: synonymous variant. On other transcripts: intron variant (3).
Genome position (GRCh38, 1-based): chr14:56,804,344, G>C on the plus strand (C>G on the coding strand, the complement: OTX2 is on the minus strand). VCF-style: chr14-56804344-G-C. GRCh37 (hg19) VCF-style: chr14-57271062-G-C.
Other names: c.117C>G, p.Pro39= (NM_001270525.2); c.98-5C>G (NM_001270523.2, NM_001270524.2, NM_172337.3).
Identifiers: ClinVar variation 3036051 (VCV003036051.2), dbSNP rs1762201449, ClinGen allele CA486584204.

ClinVar aggregate classification (germline): Likely benign (0 of 4 stars; one submission).

Conditions:
OTX2-related disorder. Also called: OTX2-related disorders; OTX2-related condition.

Submission:

PreventionGenetics, part of Exact Sciences
Classification: Likely benign for OTX2-related condition. Last evaluated: 2020-12-07. Review status: no assertion criteria provided. Collection method: clinical testing. Allele origin: germline.
Comment: This variant is classified as likely benign based on ACMG/AMP sequence variant interpretation guidelines (Richards et al. 2015 PMID: 25741868, with internal and published modifications).